The following is an entry in ClinVar:

NM_017757.3(ZNF407):c.266A>G (p.Gln89Arg)

Gene: ZNF407 (zinc finger protein 407; plus strand). Cytogenetic location: 18q22.3.
Variant type: single nucleotide variant.
Coding change: c.266A>G on transcript NM_017757.3 (MANE Select); coding-DNA position 266, A replaced by G.
Protein change: p.Gln89Arg; replaces glutamine 89 with arginine.
Molecular consequence: missense variant.
Genome position (GRCh38, 1-based): chr18:74,631,285, A>G. VCF-style: chr18-74631285-A-G. GRCh37 (hg19) VCF-style: chr18-72343241-A-G.
Other names: c.266A>G, p.Gln89Arg (NM_001146189.1, NM_001146190.1, NM_001384475.1); short protein forms Q89R.
Identifiers: ClinVar variation 2682228 (VCV002682228.1), dbSNP rs927636244, ClinGen allele CA302808050.

ClinVar aggregate classification (germline): Uncertain significance (1 of 4 stars; one submission).

Allele frequency attached by ClinVar (database versions not stated): gnomAD exomes below 0.00001; gnomAD 0.00001.
gnomAD v4.1: 3 of 1,613,880 alleles (0.00019%); highest among the groups gnomAD compares: Non-Finnish European, 0.00025%; no homozygotes.

Submission:

Women's Health and Genetics/Laboratory Corporation of America, LabCorp
Classification: Uncertain significance. Last evaluated: 2023-11-21. Review status: criteria provided, single submitter. Criteria: LabCorp Variant Classification Summary - May 2015. Collection method: clinical testing. Allele origin: germline.
Comment: Variant summary: ZNF407 c.266A>G (p.Gln89Arg) results in a conservative amino acid change in the encoded protein sequence. Five of five in-silico tools predict a benign effect of the variant on protein function. The variant allele was found at a frequency of 4e-06 in 249182 control chromosomes. The available data on variant occurrences in the general population are insufficient to allow any conclusion about variant significance. To our knowledge, no occurrence of c.266A>G in individuals affected with ZNF407-Related Disorders and no experimental evidence demonstrating its impact on protein function have been reported. No submitters have cited clinical-significance assessments for this variant to ClinVar after 2014. Based on the evidence outlined above, the variant was classified as uncertain significance.